The following is an entry in ClinVar:

ClinVar aggregate classification (germline): Pathogenic (1 of 4 stars; one submission).

Conditions:
Inborn genetic diseases. Identifiers: MedGen C0950123, MeSH D030342.

Submission:

Ambry Genetics
Classification: Pathogenic for Inborn genetic diseases. Last evaluated: 2025-06-26. Review status: criteria provided, single submitter. Criteria: Ambry Variant Classification Scheme 2023. Collection method: clinical testing. Allele origin: germline.
Comment: The c.3005_3006insA (p.S1003Qfs*9) alteration, located in exon 21 (coding exon 19) of the KDM4B gene, consists of an insertion of A at position 3005, causing a translational frameshift with a predicted alternate stop codon after 9 amino acids. This alteration is expected to result in loss of function by premature protein truncation or nonsense-mediated mRNA decay. This variant was not reported in population-based cohorts in the Genome Aggregation Database (gnomAD). Based on the available evidence, this alteration is classified as pathogenic.

NM_015015.3(KDM4B):c.3005_3006insA (p.Ser1003fs)

Gene: KDM4B (lysine demethylase 4B; plus strand). Cytogenetic location: 19p13.3.
Variant type: Insertion.
Coding change: c.3005_3006insA on transcript NM_015015.3 (MANE Select); coding-DNA positions 3005 to 3006, A inserted.
Protein change: p.Ser1003fs; shifts the reading frame from serine 1003.
Molecular consequence: frameshift variant.
Genome position: GRCh38 VCF-style: chr19-5144886-C-CA. GRCh37 (hg19) VCF-style: chr19-5144897-C-CA.
Other names: c.3107_3108insA, p.Ser1037fs (NM_001411148.1); short protein forms S1003fs, S1037fs.
Identifiers: ClinVar variation 4091240 (VCV004091240.1).